The following is an entry in ClinVar:

ClinVar aggregate classification (germline): Pathogenic/Likely pathogenic. Review status: criteria provided, multiple submitters, no conflicts (2 of 4 stars). 3 submissions from 3 submitters: Pathogenic (2); Likely pathogenic (1). Last evaluated 2023-06-27.

Conditions:
Familial cancer of breast. Also called: BREAST CANCER, FAMILIAL; Hereditary breast cancer; hereditary breast carcinoma. Identifiers: Orphanet 227535, MedGen C0346153, MONDO:0016419, OMIM 114480. Disease mechanism: loss of function.

Submissions (3):

Myriad Genetics, Inc.
Classification: Pathogenic for Familial cancer of breast. Last evaluated: 2023-06-27. Review status: criteria provided, single submitter. Criteria: Myriad Autosomal Dominant, Autosomal Recessive and X-Linked Classification Criteria (2023). Collection method: clinical testing. Allele origin: unknown.
Comment: This variant is considered pathogenic. This variant creates a frameshift predicted to result in premature protein truncation.

Labcorp Genetics (formerly Invitae), Labcorp
Classification: Pathogenic for Familial cancer of breast. Last evaluated: 2023-04-15. Review status: criteria provided, single submitter. Criteria: Invitae Variant Classification Sherloc (09022015). Collection method: clinical testing. Allele origin: germline.
Comment: For these reasons, this variant has been classified as Pathogenic. ClinVar contains an entry for this variant (Variation ID: 952455). This variant has not been reported in the literature in individuals affected with CHEK2-related conditions. This variant is not present in population databases (gnomAD no frequency). This sequence change creates a premature translational stop signal (p.Glu302Aspfs*2) in the CHEK2 gene. It is expected to result in an absent or disrupted protein product. Loss-of-function variants in CHEK2 are known to be pathogenic (PMID: 21876083, 24713400).

Baylor Genetics
Classification: Likely pathogenic for Familial cancer of breast. Last evaluated: 2022-01-11. Review status: criteria provided, single submitter. Criteria: ACMG Guidelines, 2015. Collection method: clinical testing. Allele origin: unknown.

Literature cited by the submitters: PubMed 21876083 (cited by Labcorp Genetics (formerly Invitae), Labcorp); PubMed 24713400 (cited by Labcorp Genetics (formerly Invitae), Labcorp).

NM_007194.4(CHEK2):c.906del (p.Glu302fs)

Gene: CHEK2 (checkpoint kinase 2; minus strand). Cytogenetic location: 22q12.1.
Variant type: Deletion.
Coding change: c.906del on transcript NM_007194.4 (MANE Select); coding-DNA position 906, one base deleted (A; older notation c.906delA).
Protein change: p.Glu302fs; shifts the reading frame from glutamic acid 302.
Molecular consequence: frameshift variant.
Genome position (GRCh38, 1-based): chr22:28,703,507, T deleted on the plus strand (A on the coding strand, the reverse complement: CHEK2 is on the minus strand); the first of 2 consecutive T bases (chr22:28,703,507-28,703,508); deleting either gives the same sequence. VCF-style (leftmost placement, unchanged base first): chr22-28703506-AT-A. GRCh37 (hg19) VCF-style: chr22-29099494-AT-A.
Other names: c.1034delA, p.Glu345Aspfs (NM_001005735.3); c.242delA, p.Glu81Aspfs (NM_001257387.3); c.704delA, p.Glu235Aspfs (NM_001349956.3); c.905delA, p.Glu302Aspfs (NM_145862.3); short protein forms E235fs, E345fs, E302fs, E81fs.
Identifiers: ClinVar variation 952455 (VCV000952455.11), dbSNP rs2052974883, ClinGen allele CA1139666358.
Genomic context (GRCh38, chr22:28,703,506, plus strand): 5'-TGGTGGCTTTATAAAGCATTTGAATGGAAACAGAAATTTTTAAAAAGTTTACTACTTACA[AT>A]TCCAAAACAATATAATAATCTTCTGCATCAAAAAAGTTTTTAATCTTGATGATGCAAGGC-3'